The following is an entry in ClinVar:

ClinVar aggregate classification (germline): Uncertain significance (1 of 4 stars; one submission).

gnomAD v4.1: 1 of 1,614,116 alleles (0.000062%); highest among the groups gnomAD compares: Middle Eastern, 0.016%; no homozygotes.

Submission:

Labcorp Genetics (formerly Invitae), Labcorp
Classification: Uncertain significance. Last evaluated: 2024-04-29. Review status: criteria provided, single submitter. Criteria: Invitae Variant Classification Sherloc (09022015). Collection method: clinical testing. Allele origin: germline.
Comment: This sequence change replaces valine, which is neutral and non-polar, with phenylalanine, which is neutral and non-polar, at codon 153 of the CFAP298 protein (p.Val153Phe). This variant is not present in population databases (gnomAD no frequency). This variant has not been reported in the literature in individuals affected with CFAP298-related conditions. ClinVar contains an entry for this variant (Variation ID: 2008456). An algorithm developed to predict the effect of missense changes on protein structure and function (PolyPhen-2) suggests that this variant is likely to be disruptive. In summary, the available evidence is currently insufficient to determine the role of this variant in disease. Therefore, it has been classified as a Variant of Uncertain Significance.

NM_021254.4(CFAP298):c.457G>T (p.Val153Phe)

Genes: CFAP298 (cilia and flagella associated protein 298; minus strand), CFAP298-TCP10L (CFAP298-TCP10L readthrough; minus strand). Cytogenetic location: 21q22.11.
Variant type: single nucleotide variant.
Coding change: c.457G>T on transcript NM_021254.4 (MANE Select); coding-DNA position 457, G replaced by T.
Protein change: p.Val153Phe; replaces valine 153 with phenylalanine.
Molecular consequence: missense variant. On other transcripts: non-coding transcript variant (2).
Genome position (GRCh38, 1-based): chr21:32,604,202, C>A on the plus strand (G>T on the coding strand, the complement: CFAP298 is on the minus strand). VCF-style: chr21-32604202-C-A. GRCh37 (hg19) VCF-style: chr21-33976512-C-A.
Other names: c.457G>T, p.Val153Phe (NM_001350337.2, NM_001350338.2, NM_001350335.2 and 1 more transcripts); c.160G>T, p.Val54Phe (NM_001350334.2); short protein forms V153F, V54F.
Identifiers: ClinVar variation 2008456 (VCV002008456.4), dbSNP rs748207131, ClinGen allele CA410074442.
Genomic context (GRCh38, chr21:32,604,202, plus strand): 5'-CTTCCTTATTTTCAAACTCCATGCGGATGGGATCATACGGTGGCAACCCCATGGGGTAAA[C>A]AATCATCACCGCGCCTCGAAGCTGGTCCAAGGCATCTTTCACCATCTCCATGGTAACACA-3'
Protein context (NP_067077.1, residues 143-163): LDQLRGAVMI[Val153Phe]YPMGLPPYDP